The following is an entry in ClinVar:

ClinVar aggregate classification (germline): Likely pathogenic (1 of 4 stars; one submission).

Conditions:
Carnitine palmitoyltransferase II deficiency. Also called: Carnitine Palmitoyltransferase 2 Deficiency. Identifiers: Orphanet 157, MedGen C0342790, MONDO:0015515.

Submission:

Natera, Inc.
Classification: Likely pathogenic for Carnitine palmitoyltransferase II deficiency. Last evaluated: 2025-07-18. Review status: criteria provided, single submitter. Criteria: Natera Variant Classification Schema (03/2026). Collection method: clinical testing. Allele origin: germline.
Comment: The c.1359del variant in CPT2 is a frameshift variant predicted to shift the reading frame beginning at codon 454 and leads to a stop codon 3 codons downstream. This variant is expected to result in nonsense mediated decay, truncation, or a dysfunctional protein product. This variant is rare in the general population with a frequency below the threshold expected for the associated phenotype(s). Given the available evidence, this variant is classified as Likely Pathogenic.

NM_000098.3(CPT2):c.1359del (p.Glu454fs)

Gene: CPT2 (carnitine palmitoyltransferase 2; plus strand). Cytogenetic location: 1p32.3.
Variant type: Deletion.
Coding change: c.1359del on transcript NM_000098.3 (MANE Select); coding-DNA position 1359, one base deleted (A; older notation c.1359delA).
Protein change: p.Glu454fs; shifts the reading frame from glutamic acid 454.
Molecular consequence: frameshift variant.
Genome position (GRCh38, 1-based): chr1:53,211,033, A deleted; the last of 3 consecutive A bases (chr1:53,211,031-53,211,033); deleting any one gives the same sequence. VCF-style (leftmost placement, unchanged base first): chr1-53211030-CA-C. GRCh37 (hg19) VCF-style: chr1-53676702-CA-C.
Other names: c.1359del, p.Glu454fs (NM_001330589.2); short protein forms E454fs.
Identifiers: ClinVar variation 4817415 (VCV004817415.1).